The following is an entry in ClinVar:

ClinVar aggregate classification (germline): Likely benign. Review status: reviewed by expert panel (3 of 4 stars). 3 submissions from 3 submitters: Likely benign (1). 2 of the submissions do not count toward it. Last evaluated 2026-06-01.

Conditions:
Hereditary thrombocytopenia and hematologic cancer predisposition syndrome. Identifiers: Orphanet 71290, MedGen CN281654, MONDO:0011071.
Inborn genetic diseases. Identifiers: MedGen C0950123, MeSH D030342.
Hereditary thrombocytopenia and hematological cancer predisposition syndrome associated with RUNX1. Also called: Familial Platelet Disorder with Propensity to Acute Myelogenous Leukemia; Familial thrombocytopenia with propensity to acute myelogenous leukemia; PLATELET DISORDER, ASPIRIN-LIKE; RUNX1 Familial Platelet Disorder with Associated Myeloid Malignancies. Identifiers: Orphanet 71290, MedGen C1832388, MeSH C563324, MONDO:0100083, OMIM 601399.

Submissions (3):

ClinGen Myeloid Malignancy Variant Curation Expert Panel
Classification: Likely benign for Hereditary thrombocytopenia and hematologic cancer predisposition syndrome. Last evaluated: 2026-06-01. Review status: reviewed by expert panel. Criteria: ClinGen MyeloMalig ACMG Specifications V3.1. Collection method: curation. Allele origin: germline. Inheritance: Autosomal dominant inheritance.
Comment: NM_001754.4:c.105C>T (p.Ser35=) is a synonymous variant which is completely absent from all population databases with at least 20x coverage for RUNX1 (PM2_Supporting) and has a SpliceAI score ≤ 0.20 (0.03) (BP4, BP7). In summary, this variant meets criteria to be classified as likely benign. ACMG/AMP criteria applied, as specified by the Myeloid Malignancy Variant Curation Expert Panel for RUNX1: PM2_Supporting, BP4, BP7.

Ambry Genetics
Classification: Likely benign for Inborn genetic diseases. Last evaluated: 2025-04-03. Review status: criteria provided, single submitter. Criteria: Ambry Variant Classification Scheme 2023. Collection method: clinical testing. Allele origin: germline. Not counted in ClinVar's aggregate classification.

Labcorp Genetics (formerly Invitae), Labcorp
Classification: Likely benign for Hereditary thrombocytopenia and hematological cancer predisposition syndrome associated with RUNX1. Last evaluated: 2023-05-22. Review status: criteria provided, single submitter. Criteria: Invitae Variant Classification Sherloc (09022015). Collection method: clinical testing. Allele origin: germline. Not counted in ClinVar's aggregate classification.

NM_001754.5(RUNX1):c.105C>T (p.Ser35=)

Gene: RUNX1 (RUNX family transcription factor 1; minus strand). Cytogenetic location: 21q22.12.
Variant type: single nucleotide variant.
Coding change: c.105C>T on transcript NM_001754.5 (MANE Select); coding-DNA position 105, C replaced by T.
Protein change: p.Ser35=; no amino-acid change (serine 35 retained).
Molecular consequence: synonymous variant.
Genome position (GRCh38, 1-based): chr21:34,887,089, G>A on the plus strand (C>T on the coding strand, the complement: RUNX1 is on the minus strand). VCF-style: chr21-34887089-G-A. GRCh37 (hg19) VCF-style: chr21-36259386-G-A.
Other names: NM_001754.5(RUNX1):c.105C>T; p.Ser35=; c.24C>T, p.Ser8= (NM_001001890.3, NM_001122607.2).
Identifiers: ClinVar variation 575051 (VCV000575051.14), dbSNP rs1569084817, ClinGen allele CA512318999.